The following is an entry in ClinVar:

ClinVar aggregate classification (germline): Uncertain significance (1 of 4 stars; one submission).

Conditions:
Creatine transporter deficiency (CCDS1). Also called: CEREBRAL CREATINE DEFICIENCY SYNDROME 1; Creatine Transporter (CRTR) Deficiency; Mental retardation , X-linked with seizures, short stature and midface hypoplasia; Mental retardation , X-linked, with creatine transport deficiency; X-linked creatine transporter deficiency; X-linked creatine deficiency syndrome. Identifiers: Orphanet 52503, MedGen C1845862, MONDO:0010305, OMIM 300352.

Submission:

Labcorp Genetics (formerly Invitae), Labcorp
Classification: Uncertain significance for Creatine transporter deficiency. Last evaluated: 2025-11-07. Review status: criteria provided, single submitter. Criteria: Invitae Variant Classification Sherloc (09022015). Collection method: clinical testing. Allele origin: germline.
Comment: This sequence change falls in intron 7 of the SLC6A8 gene. It does not directly change the encoded amino acid sequence of the SLC6A8 protein. It affects a nucleotide within the consensus splice site. This variant is not present in population databases (gnomAD no frequency). This variant has not been reported in the literature in individuals affected with SLC6A8-related conditions. Variants that disrupt the consensus splice site are a relatively common cause of aberrant splicing (PMID: 17576681, 9536098). Algorithms developed to predict the effect of sequence changes on RNA splicing suggest that this variant is not likely to affect RNA splicing. In summary, the available evidence is currently insufficient to determine the role of this variant in disease. Therefore, it has been classified as a Variant of Uncertain Significance.

Literature cited by the submitters: PubMed 17576681; PubMed 9536098.

NM_005629.4(SLC6A8):c.1141+6G>C

Gene: SLC6A8 (solute carrier family 6 member 8; plus strand). Cytogenetic location: Xq28.
Variant type: single nucleotide variant.
Coding change: c.1141+6G>C on transcript NM_005629.4 (MANE Select); 6 bases into the intron after coding-DNA position 1141, G replaced by C.
Molecular consequence: intron variant.
Genome position (GRCh38, 1-based): chrX:153,693,592, G>C. VCF-style: chrX-153693592-G-C. GRCh37 (hg19) VCF-style: chrX-152959047-G-C.
Other names: c.1111+6G>C (NM_001142805.2); c.796+6G>C (NM_001142806.1).
Identifiers: ClinVar variation 4705743 (VCV004705743.1).